The following is an entry in ClinVar:

ClinVar aggregate classification (germline): Uncertain significance (1 of 4 stars; one submission).

gnomAD v4.1: 8 of 1,611,226 alleles (0.0005%); highest among the groups gnomAD compares: Admixed American, 0.013%; no homozygotes.

Submission:

Labcorp Genetics (formerly Invitae), Labcorp
Classification: Uncertain significance. Last evaluated: 2025-03-31. Review status: criteria provided, single submitter. Criteria: Invitae Variant Classification Sherloc (09022015). Collection method: clinical testing. Allele origin: germline.
Comment: This sequence change replaces lysine, which is basic and polar, with asparagine, which is neutral and polar, at codon 613 of the AP3D1 protein (p.Lys613Asn). This variant is present in population databases (rs775188797, gnomAD 0.02%). This variant has not been reported in the literature in individuals affected with AP3D1-related conditions. An algorithm developed to predict the effect of missense changes on protein structure and function (PolyPhen-2) suggests that this variant is likely to be disruptive. In summary, the available evidence is currently insufficient to determine the role of this variant in disease. Therefore, it has been classified as a Variant of Uncertain Significance.

NM_001261826.3(AP3D1):c.1839G>T (p.Lys613Asn)

Gene: AP3D1 (adaptor related protein complex 3 subunit delta 1; minus strand). Cytogenetic location: 19p13.3.
Variant type: single nucleotide variant.
Coding change: c.1839G>T on transcript NM_001261826.3 (MANE Select); coding-DNA position 1839, G replaced by T.
Protein change: p.Lys613Asn; replaces lysine 613 with asparagine.
Molecular consequence: missense variant.
Genome position (GRCh38, 1-based): chr19:2,117,242, C>A on the plus strand (G>T on the coding strand, the complement: AP3D1 is on the minus strand). VCF-style: chr19-2117242-C-A. GRCh37 (hg19) VCF-style: chr19-2117241-C-A.
Other names: c.1839G>T, p.Lys613Asn (NM_001374799.1, NM_003938.8); short protein forms K613N.
Identifiers: ClinVar variation 3709335 (VCV003709335.2).